The following is an entry in ClinVar:

ClinVar aggregate classification (germline): Uncertain significance. Review status: criteria provided, multiple submitters, no conflicts (2 of 4 stars). 4 submissions from 4 submitters: Uncertain significance (4). Last evaluated 2025-02-11.

Conditions:
Lynch syndrome. Identifiers: Orphanet 144, MedGen C4552100, MONDO:0005835. Disease mechanism: loss of function.
Hereditary nonpolyposis colorectal neoplasms. Identifiers: MedGen C0009405, MeSH D003123.
Hereditary cancer-predisposing syndrome. Also called: Tumor predisposition; Hereditary Cancer Syndrome; Hereditary neoplastic syndrome; Neoplastic Syndromes, Hereditary. Identifiers: Orphanet 140162, MedGen C0027672, MeSH D009386, MONDO:0015356.

Submissions (4):

Labcorp Genetics (formerly Invitae), Labcorp
Classification: Uncertain significance for Hereditary nonpolyposis colorectal neoplasms. Last evaluated: 2025-02-11. Review status: criteria provided, single submitter. Criteria: Invitae Variant Classification Sherloc (09022015). Collection method: clinical testing. Allele origin: germline.
Comment: This sequence change replaces glutamine, which is neutral and polar, with histidine, which is basic and polar, at codon 681 of the PMS2 protein (p.Gln681His). The frequency data for this variant in the population databases (gnomAD) is considered unreliable due to the presence of homologous sequence, such as pseudogenes or paralogs, in the genome. This missense change has been observed in individual(s) with PMS2-related conditions (PMID: 31159747). ClinVar contains an entry for this variant (Variation ID: 411023). Invitae Evidence Modeling incorporating data from in vitro experimental studies (internal data) indicates that this missense variant is not expected to disrupt PMS2 function with a negative predictive value of 95%. In summary, the available evidence is currently insufficient to determine the role of this variant in disease. Therefore, it has been classified as a Variant of Uncertain Significance.

Ambry Genetics
Classification: Uncertain significance for Hereditary cancer-predisposing syndrome. Last evaluated: 2024-08-23. Review status: criteria provided, single submitter. Criteria: Ambry Variant Classification Scheme 2023. Collection method: clinical testing. Allele origin: germline.
Comment: The p.Q681H variant (also known as c.2043G>T), located in coding exon 12 of the PMS2 gene, results from a G to T substitution at nucleotide position 2043. The glutamine at codon 681 is replaced by histidine, an amino acid with highly similar properties. This amino acid position is highly conserved in available vertebrate species. In addition, this alteration is predicted to be deleterious by in silico analysis. Based on the available evidence, the clinical significance of this variant remains unclear.

Department of Pathology and Laboratory Medicine, Sinai Health System
Classification: Uncertain significance for Lynch syndrome. Last evaluated: 2022-08-05. Review status: criteria provided, single submitter. Criteria: ACMG Guidelines, 2015. Collection method: clinical testing. Allele origin: germline. Affected: yes.

GeneKor MSA
Classification: Uncertain significance for Hereditary cancer-predisposing syndrome. Last evaluated: 2018-08-01. Review status: criteria provided, single submitter. Criteria: ACMG Guidelines, 2015. Collection method: clinical testing. Allele origin: germline. Affected: yes.

Literature cited by the submitters: PubMed 31159747 (cited by Labcorp Genetics (formerly Invitae), Labcorp).

NM_000535.7(PMS2):c.2043G>T (p.Gln681His)

Gene: PMS2 (PMS1 homolog 2, mismatch repair system component; minus strand). Cytogenetic location: 7p22.1.
Variant type: single nucleotide variant.
Coding change: c.2043G>T on transcript NM_000535.7 (MANE Select); coding-DNA position 2043, G replaced by T.
Protein change: p.Gln681His; replaces glutamine 681 with histidine.
Molecular consequence: missense variant. On other transcripts: non-coding transcript variant (1).
Genome position (GRCh38, 1-based): chr7:5,982,955, C>A on the plus strand (G>T on the coding strand, the complement: PMS2 is on the minus strand). VCF-style: chr7-5982955-C-A. GRCh37 (hg19) VCF-style: chr7-6022586-C-A.
Other names: c.1638G>T, p.Gln546His (NM_001322003.2, NM_001322004.2, NM_001322005.2 and 1 more transcripts); c.1887G>T, p.Gln629His (NM_001322006.2); c.1725G>T, p.Gln575His (NM_001322007.2, NM_001322008.2); c.1482G>T, p.Gln494His (NM_001322010.2); c.1110G>T, p.Gln370His (NM_001322011.2, NM_001322012.2); c.1470G>T, p.Gln490His (NM_001322013.2); c.2043G>T, p.Gln681His (NM_001322014.2); c.1734G>T, p.Gln578His (NM_001322015.2); short protein forms Q681H, Q546H, Q370H, Q490H, Q575H, Q629H, Q494H, Q578H.
Identifiers: ClinVar variation 411023 (VCV000411023.50), dbSNP rs876658953, ClinGen allele CA16612213.